The following is an entry in ClinVar:

NM_005612.5(REST):c.1778G>A (p.Ser593Asn)

Gene: REST (RE1 silencing transcription factor; plus strand). Cytogenetic location: 4q12.
Variant type: single nucleotide variant.
Coding change: c.1778G>A on transcript NM_005612.5 (MANE Select); coding-DNA position 1778, G replaced by A.
Protein change: p.Ser593Asn; replaces serine 593 with asparagine.
Molecular consequence: missense variant.
Genome position (GRCh38, 1-based): chr4:56,930,636, G>A. VCF-style: chr4-56930636-G-A. GRCh37 (hg19) VCF-style: chr4-57796802-G-A.
Other names: c.1778G>A, p.Ser593Asn (NM_001193508.2, NM_001363453.3); short protein forms S593N.
Identifiers: ClinVar variation 1314213 (VCV001314213.9), dbSNP rs890164945, ClinGen allele CA97636577.

ClinVar aggregate classification (germline): Uncertain significance. Review status: criteria provided, multiple submitters, no conflicts (2 of 4 stars). 2 submissions from 2 submitters: Uncertain significance (2). Last evaluated 2025-04-07.

Allele frequency attached by ClinVar (database versions not stated): gnomAD exomes 0.00001; TOPMed 0.00002; gnomAD 0.00003 and 0.00004.
gnomAD v4.1: 75 of 1,613,228 alleles (0.0046%); highest among the groups gnomAD compares: Non-Finnish European, 0.0061%; no homozygotes.

Submissions (2):

Labcorp Genetics (formerly Invitae), Labcorp
Classification: Uncertain significance. Last evaluated: 2025-04-07. Review status: criteria provided, single submitter. Criteria: Invitae Variant Classification Sherloc (09022015). Collection method: clinical testing. Allele origin: germline.
Comment: This sequence change replaces serine, which is neutral and polar, with asparagine, which is neutral and polar, at codon 593 of the REST protein (p.Ser593Asn). This variant is present in population databases (no rsID available, gnomAD 0.004%). This missense change has been observed in individual(s) with Wilms tumor (PMID: 26551668). ClinVar contains an entry for this variant (Variation ID: 1314213). An algorithm developed to predict the effect of missense changes on protein structure and function (PolyPhen-2) suggests that this variant is likely to be tolerated. In summary, the available evidence is currently insufficient to determine the role of this variant in disease. Therefore, it has been classified as a Variant of Uncertain Significance.

GeneDx
Classification: Uncertain significance. Last evaluated: 2021-03-22. Review status: criteria provided, single submitter. Criteria: GeneDx Variant Classification Process June 2021. Collection method: clinical testing. Allele origin: germline. Affected: yes.
Comment: Not observed at a significant frequency in large population cohorts (Lek 2016); In silico analysis supports that this missense variant does not alter protein structure/function; Observed in individuals with Wilms tumor (Mahamdallie 2015); This variant is associated with the following publications: (PMID: 26551668)

Literature cited by the submitters: PubMed 26551668 (cited by Labcorp Genetics (formerly Invitae), Labcorp).